The following is an entry in ClinVar:

NM_152703.5(SAMD9L):c.1906C>A (p.Pro636Thr)

Gene: SAMD9L (sterile alpha motif domain containing 9 like; minus strand). Cytogenetic location: 7q21.2.
Variant type: single nucleotide variant.
Coding change: c.1906C>A on transcript NM_152703.5 (MANE Select); coding-DNA position 1906, C replaced by A.
Protein change: p.Pro636Thr; replaces proline 636 with threonine.
Molecular consequence: missense variant.
Genome position (GRCh38, 1-based): chr7:93,134,066, G>T on the plus strand (C>A on the coding strand, the complement: SAMD9L is on the minus strand). VCF-style: chr7-93134066-G-T. GRCh37 (hg19) VCF-style: chr7-92763379-G-T.
Other names: c.1906C>A, p.Pro636Thr (NM_001303496.3, NM_001303497.3, NM_001303498.3 and 5 more transcripts); c.1906C>A (NM_152703.2); short protein forms P636T.
Identifiers: ClinVar variation 3368864 (VCV003368864.2).

ClinVar aggregate classification (germline): Uncertain significance. Review status: criteria provided, multiple submitters, no conflicts (2 of 4 stars). 2 submissions from 2 submitters: Uncertain significance (2). Last evaluated 2025-05-04.

Conditions:
Inborn genetic diseases. Identifiers: MedGen C0950123, MeSH D030342.

gnomAD v4.1: 7 of 1,613,852 alleles (0.00043%); highest among the groups gnomAD compares: Non-Finnish European, 0.00059%; no homozygotes.

Submissions (2):

Ambry Genetics
Classification: Uncertain significance for Inborn genetic diseases. Last evaluated: 2025-05-04. Review status: criteria provided, single submitter. Criteria: Ambry Variant Classification Scheme 2023. Collection method: clinical testing. Allele origin: germline.
Comment: The p.P636T variant (also known as c.1906C>A), located in coding exon 1 of the SAMD9L gene, results from a C to A substitution at nucleotide position 1906. The proline at codon 636 is replaced by threonine, an amino acid with highly similar properties. This amino acid position is conserved. In addition, the in silico prediction for this alteration is inconclusive. Based on the available evidence, the clinical significance of this variant remains unclear.

GeneDx
Classification: Uncertain significance. Last evaluated: 2024-02-05. Review status: criteria provided, single submitter. Criteria: GeneDx Variant Classification Process June 2021. Collection method: clinical testing. Allele origin: germline. Affected: yes.
Comment: Not observed at significant frequency in large population cohorts (gnomAD); In silico analysis supports that this missense variant has a deleterious effect on protein structure/function; Has not been previously published as pathogenic or benign to our knowledge